The following is an entry in ClinVar:

ClinVar aggregate classification (germline): Uncertain significance (1 of 4 stars; one submission).

gnomAD v4.1: 1 of 1,145,450 alleles (0.000087%); highest among the groups gnomAD compares: Non-Finnish European, 0.00011%; no homozygotes.

Submission:

CeGaT Center for Human Genetics Tuebingen
Classification: Uncertain significance. Last evaluated: 2026-01-01. Review status: criteria provided, single submitter. Criteria: CeGaT Center For Human Genetics Tuebingen Variant Classification Criteria Version 2. Collection method: clinical testing. Allele origin: germline. Affected: yes. Observed: 1 variant allele.
Comment: MYCN: PM2, PP2

NM_005378.6(MYCN):c.572T>G (p.Val191Gly)

Gene: MYCN (MYCN proto-oncogene, bHLH transcription factor; plus strand). Cytogenetic location: 2p24.3.
Variant type: single nucleotide variant.
Coding change: c.572T>G on transcript NM_005378.6 (MANE Select); coding-DNA position 572, T replaced by G.
Protein change: p.Val191Gly; replaces valine 191 with glycine.
Molecular consequence: missense variant. On other transcripts: 3 prime UTR variant (1), intron variant (1).
Genome position (GRCh38, 1-based): chr2:15,942,636, T>G. VCF-style: chr2-15942636-T-G. GRCh37 (hg19) VCF-style: chr2-16082758-T-G.
Other names: c.572T>G, p.Val191Gly (NM_001293228.2); c.*507T>G (NM_001293233.2); c.157+1893T>G (NM_001293231.2); short protein forms V191G.
Identifiers: ClinVar variation 4823105 (VCV004823105.4).